The following is an entry in ClinVar:

ClinVar aggregate classification (germline): Uncertain significance (1 of 4 stars; one submission).

Submission:

Labcorp Genetics (formerly Invitae), Labcorp
Classification: Uncertain significance. Last evaluated: 2025-03-24. Review status: criteria provided, single submitter. Criteria: Invitae Variant Classification Sherloc (09022015). Collection method: clinical testing. Allele origin: germline.
Comment: This sequence change replaces proline, which is neutral and non-polar, with leucine, which is neutral and non-polar, at codon 117 of the SMARCB1 protein (p.Pro117Leu). This variant is not present in population databases (gnomAD no frequency). This variant has not been reported in the literature in individuals affected with SMARCB1-related conditions. Invitae Evidence Modeling of protein sequence and biophysical properties (such as structural, functional, and spatial information, amino acid conservation, physicochemical variation, residue mobility, and thermodynamic stability) indicates that this missense variant is not expected to disrupt SMARCB1 protein function with a negative predictive value of 80%. In summary, the available evidence is currently insufficient to determine the role of this variant in disease. Therefore, it has been classified as a Variant of Uncertain Significance.

NM_003073.5(SMARCB1):c.350C>T (p.Pro117Leu)

Gene: SMARCB1 (SWI/SNF related BAF chromatin remodeling complex subunit B1; plus strand). Cytogenetic location: 22q11.23.
Variant type: single nucleotide variant.
Coding change: c.350C>T on transcript NM_003073.5 (MANE Select); coding-DNA position 350, C replaced by T.
Protein change: p.Pro117Leu; replaces proline 117 with leucine.
Molecular consequence: missense variant.
Genome position (GRCh38, 1-based): chr22:23,793,676, C>T. VCF-style: chr22-23793676-C-T. GRCh37 (hg19) VCF-style: chr22-24135863-C-T.
Other names: c.323C>T, p.Pro108Leu (NM_001007468.3, NM_001317946.2); c.350C>T, p.Pro117Leu (NM_001362877.2); short protein forms P108L, P117L.
Identifiers: ClinVar variation 4778387 (VCV004778387.1).
Genomic context (GRCh38, chr22:23,793,676, plus strand): 5'-AAGAGATTCTGGATGGCAACGATGAGAAGTACAAGGCTGTGTCCATCAGCACAGAGCCCC[C>T]CACCTACCTCAGGTAATGCGTTCCTGGCCAGGGCATCTCTGGGGACACCTGTGGGGTCTT-3'
Protein context (NP_003064.2, residues 107-127): YKAVSISTEP[Pro117Leu]TYLREQKAKR